The following is an entry in ClinVar:

NM_001134407.3(GRIN2A):c.1486A>G (p.Met496Val)

Gene: GRIN2A (glutamate ionotropic receptor NMDA type subunit 2A; minus strand). Cytogenetic location: 16p13.2.
Variant type: single nucleotide variant.
Coding change: c.1486A>G on transcript NM_001134407.3 (MANE Select); coding-DNA position 1486, A replaced by G.
Protein change: p.Met496Val; replaces methionine 496 with valine.
Molecular consequence: missense variant.
Genome position (GRCh38, 1-based): chr16:9,840,947, T>C on the plus strand (A>G on the coding strand, the complement: GRIN2A is on the minus strand). VCF-style: chr16-9840947-T-C. GRCh37 (hg19) VCF-style: chr16-9934804-T-C.
Other names: c.1486A>G, p.Met496Val (NM_000833.5, NM_001134408.2); short protein forms M496V.
Identifiers: ClinVar variation 3901887 (VCV003901887.1).
Genomic context (GRCh38, chr16:9,840,947, plus strand): 5'-GCAGGCCCTTTGTCTGAGTAAGAGCCTAGGGGATGAAAAGATAACTTACTTCACCGATCA[T>C]TCCATTCCACACATTGTTAACTTTCTTGCCATGCTTCCCATTGGTCACCAGATAGAGGTC-3'
Protein context (NP_001127879.1, residues 486-506): GKKVNNVWNG[Met496Val]IGEVVYQRAV

ClinVar aggregate classification (germline): Likely pathogenic (1 of 4 stars; one submission).

Conditions:
Landau-Kleffner syndrome (FESD). Also called: EPILEPSY, FOCAL, WITH SPEECH DISORDER AND WITH OR WITHOUT MENTAL RETARDATION; APHASIA, ACQUIRED, WITH EPILEPSY. Identifiers: Orphanet 1945, Orphanet 725, Orphanet 98818, MedGen C0282512, MONDO:0009509, OMIM 245570.

Submission:

Rare Disease Center, Seoul National University Hospital
Classification: Likely pathogenic for Landau-Kleffner syndrome. Last evaluated: 2025-03-23. Review status: criteria provided, single submitter. Criteria: ACMG Guidelines, 2015. Collection method: provider interpretation. Allele origin: de novo. Affected: yes. Observed: 1 variant allele.
Comment: In addition, this variant is not present in population databases (gnomAD). Note: This variant was found in clinical genetic testing performed by one or more labs who may also submit to ClinVar. Therefore, any internal case data may overlap with the internal case data of other submitters. The classification and rationale are that of the Rare Disease Center, Seoul National University Hospital